The following is an entry in ClinVar:

ClinVar aggregate classification (germline): Conflicting classifications of pathogenicity. Review status: criteria provided, conflicting classifications (1 of 4 stars). 2 submissions from 1 submitter: Uncertain significance (1); Likely benign (1). Last evaluated 2018-01-13.

Conditions:
Dilated cardiomyopathy 1U. Identifiers: Orphanet 154, MedGen C3160720, MONDO:0013371, OMIM 613694.
Alzheimer disease 3 (AD3). Also called: ALZHEIMER DISEASE, FAMILIAL, 3. Identifiers: Orphanet 1020, MedGen C1843013, MONDO:0011913, OMIM 607822.

Allele frequency attached by ClinVar (database versions not stated): TOPMed 0.00002; gnomAD 0.00004 and 0.00011; 1000 Genomes Project 30x 0.00047; 1000 Genomes Project 0.00060.
gnomAD v4.1: 17 of 152,354 alleles (0.011%); highest among the groups gnomAD compares: East Asian, 0.21%; no homozygotes.

Submissions (2):

Illumina Laboratory Services, Illumina
Classification: Likely benign for Alzheimer disease 3. Last evaluated: 2018-01-13. Review status: criteria provided, single submitter. Criteria: ICSL Variant Classification Criteria 13 December 2019. Collection method: clinical testing. Allele origin: germline.
Comment: This variant was observed in the ICSL laboratory as part of a predisposition screen in an ostensibly healthy population. It had not been previously curated by ICSL or reported in the Human Gene Mutation Database (HGMD: prior to June 1st, 2018), and was therefore a candidate for classification through an automated scoring system. Utilizing variant allele frequency, disease prevalence and penetrance estimates, and inheritance mode, an automated score was calculated to assess if this variant is too frequent to cause the disease. Based on the score and internal cut-off values, a variant classified as likely benign is not then subjected to further curation. The score for this variant resulted in a classification of likely benign for this disease.

Illumina Laboratory Services, Illumina
Classification: Uncertain significance for Dilated cardiomyopathy 1U. Last evaluated: 2018-01-13. Review status: criteria provided, single submitter. Criteria: ICSL Variant Classification Criteria 13 December 2019. Collection method: clinical testing. Allele origin: germline.

NM_000021.4(PSEN1):c.*2017A>T

Gene: PSEN1 (presenilin 1; plus strand). Cytogenetic location: 14q24.2.
Variant type: single nucleotide variant.
Coding change: c.*2017A>T on transcript NM_000021.4 (MANE Select); 2017 bases downstream of the stop codon, A replaced by T.
Molecular consequence: 3 prime UTR variant.
Genome position (GRCh38, 1-based): chr14:73,221,306, A>T. VCF-style: chr14-73221306-A-T. GRCh37 (hg19) VCF-style: chr14-73688014-A-T.
Other names: c.*2017A>T (NM_007318.3).
Identifiers: ClinVar variation 886561 (VCV000886561.4), dbSNP rs538178628, ClinGen allele CA262621762.